The following is an entry in ClinVar:

NM_001385641.1(SAMD11):c.1195+29_1195+76del

Gene: SAMD11 (sterile alpha motif domain containing 11; plus strand). Cytogenetic location: 1p36.33.
Variant type: Deletion.
Coding change: c.1195+29_1195+76del on transcript NM_001385641.1 (MANE Select); bases 29 to 76 of the intron after coding-DNA position 1195, 48 bases deleted.
Molecular consequence: intron variant. On other transcripts: splice donor variant (1).
Genome position (GRCh38, 1-based): chr1:939,441-939,488, 48 bases deleted; deleting any 48 consecutive bases within chr1:939,438-939,488 gives the same sequence; the c. name uses the placement nearest the transcript's 3' end. GRCh37 (hg19): chr1:874,821-874,868.
Other names: c.1198+29_1198+76del (NM_001385640.1); c.687_706+28del (NM_152486.4).
Identifiers: ClinVar variation 1912450 (VCV001912450.2), dbSNP rs769360416, ClinGen allele CA520628660.

ClinVar aggregate classification (germline): Uncertain significance (1 of 4 stars; one submission).

Submission:

Labcorp Genetics (formerly Invitae), Labcorp
Classification: Uncertain significance. Last evaluated: 2022-07-12. Review status: criteria provided, single submitter. Criteria: Invitae Variant Classification Sherloc (09022015). Collection method: clinical testing. Allele origin: germline.
Comment: This variant results in the deletion of part of exon 7 (c.687_706+28del) of the SAMD11 gene. It is expected to disrupt RNA splicing. Variants that disrupt the donor or acceptor splice site typically lead to a loss of protein function (PMID: 16199547), however the current clinical and genetic evidence is not sufficient to establish whether loss-of-function variants in SAMD11 cause disease. This variant is present in population databases (no rsID available, gnomAD 0.02%). This variant has not been reported in the literature in individuals affected with SAMD11-related conditions. Algorithms developed to predict the effect of sequence changes on RNA splicing suggest that this variant may disrupt the consensus splice site. In summary, the available evidence is currently insufficient to determine the role of this variant in disease. Therefore, it has been classified as a Variant of Uncertain Significance.

Literature cited by the submitters: PubMed 16199547.